The following is an entry in ClinVar:

NM_002354.3(EPCAM):c.225del (p.Ser76fs)

Gene: EPCAM (epithelial cell adhesion molecule; plus strand). Cytogenetic location: 2p21.
Variant type: Deletion.
Coding change: c.225del on transcript NM_002354.3 (MANE Select); coding-DNA position 225, one base deleted (C; older notation c.225delC).
Protein change: p.Ser76fs; shifts the reading frame from serine 76.
Molecular consequence: frameshift variant.
Genome position (GRCh38, 1-based): chr2:47,373,848, C deleted. VCF-style (leftmost placement, unchanged base first): chr2-47373847-GC-G. GRCh37 (hg19) VCF-style: chr2-47600986-GC-G.
Other names: short protein forms S76fs.
Identifiers: ClinVar variation 4292053 (VCV004292053.1).

ClinVar aggregate classification (germline): Likely pathogenic (1 of 4 stars; one submission).

Conditions:
Congenital diarrhea 5 with tufting enteropathy. Also called: INTESTINAL EPITHELIAL CELL DYSPLASIA; Congenital tufting enteropathy. Identifiers: Orphanet 92050, MedGen C2750737, MONDO:0013184, OMIM 613217.

Submission:

3billion
Classification: Likely pathogenic for Congenital diarrhea 5 with tufting enteropathy. Last evaluated: 2024-10-29. Review status: criteria provided, single submitter. Criteria: ACMG Guidelines, 2015. Collection method: clinical testing. Allele origin: germline. Affected: yes.
Comment: The variant is not observed in the gnomAD v4.1.0 dataset. Predicted Consequence/Location: Frameshift: predicted to result in a loss or disruption of normal protein function through nonsense-mediated decay (NMD) or protein truncation. Multiple pathogenic variants are reported downstream of the variant. Therefore, this variant is classified as Likely pathogenic according to the recommendation of ACMG/AMP guideline.